The following is an entry in ClinVar:

NM_000234.3(LIG1):c.1426T>A (p.Phe476Ile)

Gene: LIG1 (DNA ligase 1; minus strand). Cytogenetic location: 19q13.33.
Variant type: single nucleotide variant.
Coding change: c.1426T>A on transcript NM_000234.3 (MANE Select); coding-DNA position 1426, T replaced by A.
Protein change: p.Phe476Ile; replaces phenylalanine 476 with isoleucine.
Molecular consequence: missense variant. On other transcripts: non-coding transcript variant (6).
Genome position (GRCh38, 1-based): chr19:48,135,777, A>T on the plus strand (T>A on the coding strand, the complement: LIG1 is on the minus strand). VCF-style: chr19-48135777-A-T. GRCh37 (hg19) VCF-style: chr19-48639034-A-T.
Other names: c.1333T>A, p.Phe445Ile (NM_001289063.2); c.1222T>A, p.Phe408Ile (NM_001289064.2); c.1423T>A, p.Phe475Ile (NM_001320970.2); c.1336T>A, p.Phe446Ile (NM_001320971.2); short protein forms F408I, F445I, F446I, F475I, F476I.
Identifiers: ClinVar variation 1001106 (VCV001001106.8), dbSNP rs2034341659, ClinGen allele CA406648441.

ClinVar aggregate classification (germline): Uncertain significance (1 of 4 stars; one submission).

Submission:

Labcorp Genetics (formerly Invitae), Labcorp
Classification: Uncertain significance. Last evaluated: 2020-12-28. Review status: criteria provided, single submitter. Criteria: Invitae Variant Classification Sherloc (09022015). Collection method: clinical testing. Allele origin: germline.
Comment: In summary, the available evidence is currently insufficient to determine the role of this variant in disease. Therefore, it has been classified as a Variant of Uncertain Significance. Algorithms developed to predict the effect of missense changes on protein structure and function (SIFT, PolyPhen-2, Align-GVGD) all suggest that this variant is likely to be tolerated, but these predictions have not been confirmed by published functional studies and their clinical significance is uncertain. This variant has not been reported in the literature in individuals with LIG1-related conditions. This variant is not present in population databases (ExAC no frequency). This sequence change replaces phenylalanine with isoleucine at codon 476 of the LIG1 protein (p.Phe476Ile). The phenylalanine residue is weakly conserved and there is a small physicochemical difference between phenylalanine and isoleucine.